The following is an entry in ClinVar:

NM_004006.3(DMD):c.6423C>G (p.Tyr2141Ter)

Gene: DMD (dystrophin; minus strand). Cytogenetic location: Xp21.1.
Variant type: single nucleotide variant.
Coding change: c.6423C>G on transcript NM_004006.3 (MANE Select); coding-DNA position 6423, C replaced by G.
Protein change: p.Tyr2141Ter; replaces tyrosine 2141 with a stop codon.
Molecular consequence: nonsense.
Genome position (GRCh38, 1-based): chrX:32,216,931, G>C on the plus strand (C>G on the coding strand, the complement: DMD is on the minus strand). VCF-style: chrX-32216931-G-C. GRCh37 (hg19) VCF-style: chrX-32235048-G-C.
Other names: c.6399C>G, p.Tyr2133Ter (NM_000109.4); c.6411C>G, p.Tyr2137Ter (NM_004009.3); c.6054C>G, p.Tyr2018Ter (NM_004010.3); c.2400C>G, p.Tyr800Ter (NM_004011.4); c.2391C>G, p.Tyr797Ter (NM_004012.4); short protein forms Y2133*, Y2141*, Y2018*, Y797*, Y2137*, Y800*.
Identifiers: ClinVar variation 864809 (VCV000864809.11), dbSNP rs1425702864, ClinGen allele CA412660497.

ClinVar aggregate classification (germline): Pathogenic (1 of 4 stars; one submission).

Conditions:
Duchenne muscular dystrophy (DMD). Also called: Duchenne Muscular Dystrophy (DMD); MUSCULAR DYSTROPHY, PSEUDOHYPERTROPHIC PROGRESSIVE, DUCHENNE TYPE. Identifiers: Orphanet 98896, MedGen C0013264, MONDO:0010679, OMIM 310200.

Submission:

Labcorp Genetics (formerly Invitae), Labcorp
Classification: Pathogenic for Duchenne muscular dystrophy. Last evaluated: 2019-03-14. Review status: criteria provided, single submitter. Criteria: Invitae Variant Classification Sherloc (09022015). Collection method: clinical testing. Allele origin: germline.
Comment: For these reasons, this variant has been classified as Pathogenic. Loss-of-function variants in DMD are known to be pathogenic (PMID: 16770791, 25007885). This nonsense change has been observed in individuals affected with Duchenne muscular dystrophy (PMID: 17726484, 12233050, 25972034). This variant is not present in population databases (ExAC no frequency). This sequence change creates a premature translational stop signal (p.Tyr2141*) in the DMD gene. It is expected to result in an absent or disrupted protein product.

Literature cited by the submitters: PubMed 16770791; PubMed 25007885; PubMed 17726484; PubMed 12233050; PubMed 25972034.